The following is an entry in ClinVar:

NM_007294.4(BRCA1):c.2096A>G (p.Glu699Gly)

Gene: BRCA1 (BRCA1 DNA repair associated; minus strand). Cytogenetic location: 17q21.31.
Variant type: single nucleotide variant.
Coding change: c.2096A>G on transcript NM_007294.4 (MANE Select); coding-DNA position 2096, A replaced by G.
Protein change: p.Glu699Gly; replaces glutamic acid 699 with glycine.
Molecular consequence: missense variant. On other transcripts: intron variant (137).
Genome position (GRCh38, 1-based): chr17:43,093,435, T>C on the plus strand (A>G on the coding strand, the complement: BRCA1 is on the minus strand). VCF-style: chr17-43093435-T-C. GRCh37 (hg19) VCF-style: chr17-41245452-T-C.
Other names: c.1970A>G, p.Glu657Gly (NM_001407690.1, NM_001407691.1, NM_001407649.1 and 11 more transcripts); c.1955A>G, p.Glu652Gly (NM_001407697.1, NM_001407694.1, NM_001407696.1 and 29 more transcripts); c.461-2403A>G (NM_001408506.1, NM_001408507.1); c.577+1309A>G (NM_001408481.1, NM_001408480.1, NM_001408492.1 and 9 more transcripts); c.778+1309A>G (NM_001408408.1); c.661+1309A>G (NM_001408446.1, NM_001408435.1, NM_001408448.1 and 6 more transcripts); c.784+1309A>G (NM_001408401.1, NM_001408396.1, NM_001407985.1 and 13 more transcripts); c.548-2403A>G (NM_001408494.1); and 41 more; short protein forms E699G, E652G, E403G, E572G, E631G, E657G, E698G, E531G.
Identifiers: ClinVar variation 820705 (VCV000820705.20), dbSNP rs1597872173, ClinGen allele CA10597810.

ClinVar aggregate classification (germline): Conflicting classifications of pathogenicity. Review status: criteria provided, conflicting classifications (1 of 4 stars). 4 submissions from 4 submitters: Uncertain significance (3); Likely benign (1). Last evaluated 2025-04-25.

Conditions:
Hereditary breast ovarian cancer syndrome. Also called: Hereditary breast and/or ovarian cancer syndrome; BRCA1- and BRCA2-Associated Hereditary Breast and Ovarian Cancer; Hereditary breast and ovarian cancer syndrome; Hereditary breast and ovarian cancer; Hereditary breast and ovarian cancer syndrome (HBOC); Breast and ovarian cancer. Identifiers: Orphanet 145, MedGen C0677776, MeSH D061325, MONDO:0003582. Disease mechanism: loss of function.
Hereditary cancer-predisposing syndrome. Also called: Neoplastic Syndromes, Hereditary; Tumor predisposition; Hereditary Cancer Syndrome; Hereditary neoplastic syndrome. Identifiers: Orphanet 140162, MedGen C0027672, MeSH D009386, MONDO:0015356.

Submissions (4):

Ambry Genetics
Classification: Uncertain significance for Hereditary cancer-predisposing syndrome. Last evaluated: 2025-04-25. Review status: criteria provided, single submitter. Criteria: Ambry Variant Classification Scheme 2023. Collection method: clinical testing. Allele origin: germline.
Comment: The p.E699G variant (also known as c.2096A>G), located in coding exon 9 of the BRCA1 gene, results from an A to G substitution at nucleotide position 2096. The glutamic acid at codon 699 is replaced by glycine, an amino acid with similar properties. This amino acid position is not well conserved in available vertebrate species. In addition, the in silico prediction for this alteration is inconclusive. Since supporting evidence is limited at this time, the clinical significance of this alteration remains unclear.

University of Washington Department of Laboratory Medicine, University of Washington
Classification: Likely benign for Hereditary cancer-predisposing syndrome. Last evaluated: 2023-03-23. Review status: criteria provided, single submitter. Criteria: Dines et al. (Genet Med. 2020). Collection method: curation. Allele origin: germline.
Comment: Missense variant in a coldspot region where missense variants are very unlikely to be pathogenic (PMID:31911673).

BRCA1 coldspot (exon 11 using historical exon numbering). Reclassification based on statistical prior probability

Labcorp Genetics (formerly Invitae), Labcorp
Classification: Uncertain significance for Hereditary breast ovarian cancer syndrome. Last evaluated: 2022-10-13. Review status: criteria provided, single submitter. Criteria: Invitae Variant Classification Sherloc (09022015). Collection method: clinical testing. Allele origin: germline.
Comment: This sequence change replaces glutamic acid, which is acidic and polar, with glycine, which is neutral and non-polar, at codon 699 of the BRCA1 protein (p.Glu699Gly). This variant is not present in population databases (gnomAD no frequency). In summary, the available evidence is currently insufficient to determine the role of this variant in disease. Therefore, it has been classified as a Variant of Uncertain Significance. Advanced modeling of protein sequence and biophysical properties (such as structural, functional, and spatial information, amino acid conservation, physicochemical variation, residue mobility, and thermodynamic stability) performed at Invitae indicates that this missense variant is not expected to disrupt BRCA1 protein function. ClinVar contains an entry for this variant (Variation ID: 820705). This variant has not been reported in the literature in individuals affected with BRCA1-related conditions.

Color Diagnostics, LLC DBA Color Health
Classification: Uncertain significance for Hereditary cancer-predisposing syndrome. Last evaluated: 2021-07-26. Review status: criteria provided, single submitter. Criteria: ACMG Guidelines, 2015. Collection method: clinical testing. Allele origin: germline.
Comment: This missense variant replaces glutamic acid with glycine at codon 699 of the BRCA1 protein. Computational prediction suggests that this variant may not impact protein structure and function (internally defined REVEL score threshold <= 0.5, PMID: 27666373). To our knowledge, functional studies have not been reported for this variant. This variant has not been reported in individuals affected with hereditary cancer in the literature. This variant has not been identified in the general population by the Genome Aggregation Database (gnomAD). The available evidence is insufficient to determine the role of this variant in disease conclusively. Therefore, this variant is classified as a Variant of Uncertain Significance.